The following is an entry in ClinVar:

NM_170606.3(KMT2C):c.14651A>G (p.Tyr4884Cys)

Gene: KMT2C (lysine methyltransferase 2C; minus strand). Cytogenetic location: 7q36.1.
Variant type: single nucleotide variant.
Coding change: c.14651A>G on transcript NM_170606.3 (MANE Select); coding-DNA position 14651, A replaced by G.
Protein change: p.Tyr4884Cys; replaces tyrosine 4884 with cysteine.
Molecular consequence: missense variant.
Genome position (GRCh38, 1-based): chr7:152,136,917, T>C on the plus strand (A>G on the coding strand, the complement: KMT2C is on the minus strand). VCF-style: chr7-152136917-T-C. GRCh37 (hg19) VCF-style: chr7-151834002-T-C.
Other names: short protein forms Y4884C.
Identifiers: ClinVar variation 1306759 (VCV001306759.2), dbSNP rs748426014, ClinGen allele CA4578321.
Genomic context (GRCh38, chr7:152,136,917, plus strand): 5'-ACAGCTCCACAGTGACACGGAATCTTGTGCTGGTCATCTTCAAAGTCAAACTTATAGTCA[T>C]AGCAGAGCTGCCCACGGCAAAGACACAGGGTAAGAAAGGACAGCAAGGAAGGCAATAGCG-3'
Protein context (NP_733751.2, residues 4874-4894): RRIQKGEELC[Tyr4884Cys]DYKFDFEDDQ

ClinVar aggregate classification (germline): Uncertain significance (1 of 4 stars; one submission).

Allele frequency attached by ClinVar (database versions not stated): gnomAD exomes below 0.00001; ExAC 0.00001.
gnomAD v4.1: 1 of 1,612,270 alleles (0.000062%); highest among the groups gnomAD compares: Non-Finnish European, 0.000085%; no homozygotes.

Submission:

GeneDx
Classification: Uncertain significance. Last evaluated: 2019-06-26. Review status: criteria provided, single submitter. Criteria: GeneDx Variant Classification Process June 2021. Collection method: clinical testing. Allele origin: germline. Affected: yes.
Comment: In silico analysis, which includes protein predictors and evolutionary conservation, supports a deleterious effect; Has not been previously published as pathogenic or benign in association with a neurodevelopmental disorder to our knowledge; This variant is associated with the following publications: (PMID: 22895193, 25829971)